The following is an entry in ClinVar:

NM_002872.5(RAC2):c.169G>A (p.Asp57Asn)

Gene: RAC2 (Rac family small GTPase 2; minus strand). Cytogenetic location: 22q13.1.
Variant type: single nucleotide variant.
Coding change: c.169G>A on transcript NM_002872.5 (MANE Select); coding-DNA position 169, G replaced by A.
Protein change: p.Asp57Asn; replaces aspartic acid 57 with asparagine.
Molecular consequence: missense variant.
Genome position (GRCh38, 1-based): chr22:37,232,857, C>T on the plus strand (G>A on the coding strand, the complement: RAC2 is on the minus strand). VCF-style: chr22-37232857-C-T. GRCh37 (hg19) VCF-style: chr22-37628897-C-T.
Other names: c.169G>A, p.Asp57Asn (LRG_97t1); short protein forms D57N.
Identifiers: ClinVar variation 7575 (VCV000007575.13), dbSNP rs74315507, ClinGen allele CA118897.

ClinVar aggregate classification (germline): Pathogenic. Review status: criteria provided, single submitter (1 of 4 stars). 2 submissions from 2 submitters: Pathogenic (1). 1 of the submissions does not count toward it. Last evaluated 2020-03-05.

Conditions:
Neutrophil immunodeficiency syndrome. Also called: Immunodeficiency 73A with defective neutrophil chemotaxis and leukocytosis. Identifiers: Orphanet 183707, MedGen C1842398, MONDO:0011988, OMIM 608203.

Submissions (2):

Labcorp Genetics (formerly Invitae), Labcorp
Classification: Pathogenic for Neutrophil immunodeficiency syndrome. Last evaluated: 2020-03-05. Review status: criteria provided, single submitter. Criteria: Invitae Variant Classification Sherloc (09022015). Collection method: clinical testing. Allele origin: germline.
Comment: This variant is not present in population databases (ExAC no frequency). For these reasons, this variant has been classified as Pathogenic. Experimental studies have shown that this missense change disrupts RAC2 protein function in a dominant negative fashion (PMID: 10758162, 10961859, 11278678, 14676277). This variant has been observed to be de novo in an individual affected with neutrophil immunodeficiency syndrome (PMID: 21167572). In addition, it has been reported in other individuals with similar phenotypes (PMID: 10758162, 10961859). ClinVar contains an entry for this variant (Variation ID: 7575). This sequence change replaces aspartic acid with asparagine at codon 57 of the RAC2 protein (p.Asp57Asn). The aspartic acid residue is highly conserved and there is a small physicochemical difference between aspartic acid and asparagine.

OMIM
Classification: Pathogenic for IMMUNODEFICIENCY 73A WITH DEFECTIVE NEUTROPHIL CHEMOTAXIS AND LEUKOCYTOSIS. Last evaluated: 2000-09-01. Review status: no assertion criteria provided. Collection method: literature only. Allele origin: germline. Not counted in ClinVar's aggregate classification.

Literature cited by the submitters: PubMed 10758162 (cited by Labcorp Genetics (formerly Invitae), Labcorp and OMIM); PubMed 10961859 (cited by Labcorp Genetics (formerly Invitae), Labcorp and OMIM); PubMed 11278678 (cited by Labcorp Genetics (formerly Invitae), Labcorp); PubMed 14676277 (cited by Labcorp Genetics (formerly Invitae), Labcorp); PubMed 21167572 (cited by Labcorp Genetics (formerly Invitae), Labcorp and OMIM).